The following is an entry in ClinVar:

ClinVar aggregate classification (germline): Uncertain significance (1 of 4 stars; one submission).

Submission:

GeneDx
Classification: Uncertain significance. Last evaluated: 2024-03-10. Review status: criteria provided, single submitter. Criteria: GeneDx Variant Classification Process June 2021. Collection method: clinical testing. Allele origin: germline. Affected: yes.
Comment: Not observed at significant frequency in large population cohorts (gnomAD); In silico analysis supports that this missense variant has a deleterious effect on protein structure/function; Has not been previously published as pathogenic or benign to our knowledge

NM_000141.5(FGFR2):c.2323C>T (p.Pro775Ser)

Gene: FGFR2 (fibroblast growth factor receptor 2; minus strand). Cytogenetic location: 10q26.13.
Variant type: single nucleotide variant.
Coding change: c.2323C>T on transcript NM_000141.5 (MANE Select); coding-DNA position 2323, C replaced by T.
Protein change: p.Pro775Ser; replaces proline 775 with serine.
Molecular consequence: missense variant. On other transcripts: non-coding transcript variant (1), intron variant (1).
Genome position (GRCh38, 1-based): chr10:121,480,000, G>A on the plus strand (C>T on the coding strand, the complement: FGFR2 is on the minus strand). VCF-style: chr10-121480000-G-A. GRCh37 (hg19) VCF-style: chr10-123239514-G-A.
Other names: c.1987C>T, p.Pro663Ser (NM_001144914.1); c.1978C>T, p.Pro660Ser (NM_001144916.2); c.1975C>T, p.Pro659Ser (NM_001144917.2); c.1972C>T, p.Pro658Ser (NM_001144918.2); c.1639C>T, p.Pro547Ser (NM_001320654.2); c.2317C>T, p.Pro773Ser (NM_001320658.2); c.2326C>T, p.Pro776Ser (NM_022970.4); c.2056C>T, p.Pro686Ser (NM_023029.3); and 1 more; short protein forms P547S, P658S, P659S, P660S, P663S, P686S, P773S, P775S.
Identifiers: ClinVar variation 3370876 (VCV003370876.1).
Genomic context (GRCh38, chr10:121,480,000, plus strand): 5'-CATCTCCTGAAGAACAAGAACTTCTTGTGTCAGGGTAACTAGGTGAATACTGTTCGAGAG[G>A]TTGGCTGAGGTCCAAGTATTCCTGAAAGAAGGGAAGAGAGACGTTTTATTTCATCTTGGG-3'
Protein context (NP_000132.3, residues 765-785): TNEEYLDLSQ[Pro775Ser]LEQYSPSYPD